The following is an entry in ClinVar:

NM_002485.5(NBN):c.1126G>C (p.Asp376His)

Gene: NBN (nibrin; minus strand). Cytogenetic location: 8q21.3.
Variant type: single nucleotide variant.
Coding change: c.1126G>C on transcript NM_002485.5 (MANE Select); coding-DNA position 1126, G replaced by C.
Protein change: p.Asp376His; replaces aspartic acid 376 with histidine.
Molecular consequence: missense variant.
Genome position (GRCh38, 1-based): chr8:89,955,554, C>G on the plus strand (G>C on the coding strand, the complement: NBN is on the minus strand). VCF-style: chr8-89955554-C-G. GRCh37 (hg19) VCF-style: chr8-90967782-C-G.
Other names: c.880G>C, p.Asp294His (NM_001024688.3, NM_001440379.1, NM_001440380.1); short protein forms D376H, D294H.
Identifiers: ClinVar variation 4723486 (VCV004723486.1).

ClinVar aggregate classification (germline): Uncertain significance (1 of 4 stars; one submission).

Conditions:
Microcephaly, normal intelligence and immunodeficiency (NBS). Also called: BERLIN BREAKAGE SYNDROME; Immunodeficiency, microcephaly with normal intelligence; IMMUNODEFICIENCY, MICROCEPHALY, AND CHROMOSOMAL INSTABILITY; SEEMANOVA SYNDROME II; Ataxia telangiectasia variant V1; Nijmegen breakage syndrome. Identifiers: Orphanet 647, MedGen C0398791, MONDO:0009623, OMIM 251260.

Submission:

Labcorp Genetics (formerly Invitae), Labcorp
Classification: Uncertain significance for Microcephaly, normal intelligence and immunodeficiency. Last evaluated: 2025-07-23. Review status: criteria provided, single submitter. Criteria: Invitae Variant Classification Sherloc (09022015). Collection method: clinical testing. Allele origin: germline.
Comment: This sequence change replaces aspartic acid, which is acidic and polar, with histidine, which is basic and polar, at codon 376 of the NBN protein (p.Asp376His). This variant is not present in population databases (gnomAD no frequency). This variant has not been reported in the literature in individuals affected with NBN-related conditions. An algorithm developed to predict the effect of missense changes on protein structure and function (PolyPhen-2) suggests that this variant is likely to be tolerated. In summary, the available evidence is currently insufficient to determine the role of this variant in disease. Therefore, it has been classified as a Variant of Uncertain Significance.